The following is an entry in ClinVar:

ClinVar aggregate classification (germline): Uncertain significance (1 of 4 stars; one submission).

Conditions:
Inborn genetic diseases. Identifiers: MedGen C0950123, MeSH D030342.

Submission:

Ambry Genetics
Classification: Uncertain significance for Inborn genetic diseases. Last evaluated: 2025-02-20. Review status: criteria provided, single submitter. Criteria: Ambry Variant Classification Scheme 2023. Collection method: clinical testing. Allele origin: germline.
Comment: The p.H655D variant (also known as c.1963C>G), located in coding exon 12 of the RECQL4 gene, results from a C to G substitution at nucleotide position 1963. The histidine at codon 655 is replaced by aspartic acid, an amino acid with similar properties. This amino acid position is conserved. In addition, this alteration is predicted to be deleterious by in silico analysis. Based on the available evidence, the clinical significance of this variant remains unclear.

NM_004260.4(RECQL4):c.1963C>G (p.His655Asp)

Gene: RECQL4 (RecQ like helicase 4; minus strand). Cytogenetic location: 8q24.3.
Variant type: single nucleotide variant.
Coding change: c.1963C>G on transcript NM_004260.4 (MANE Select); coding-DNA position 1963, C replaced by G.
Protein change: p.His655Asp; replaces histidine 655 with aspartic acid.
Molecular consequence: missense variant. On other transcripts: non-coding transcript variant (3).
Genome position (GRCh38, 1-based): chr8:144,514,023, G>C on the plus strand (C>G on the coding strand, the complement: RECQL4 is on the minus strand). VCF-style: chr8-144514023-G-C. GRCh37 (hg19) VCF-style: chr8-145739407-G-C.
Other names: c.1867C>G, p.His623Asp (NM_001413017.1, NM_001413020.1); c.1963C>G, p.His655Asp (NM_001413018.1, NM_001413019.1, NM_001413036.1); c.892C>G, p.His298Asp (NM_001413021.1, NM_001413022.1, NM_001413023.1 and 6 more transcripts); c.1834C>G, p.His612Asp (NM_001413025.1); c.826C>G, p.His276Asp (NM_001413027.1, NM_001413030.1, NM_001413032.1 and 1 more transcripts); c.1612C>G, p.His538Asp (NM_001413029.1); c.694C>G, p.His232Asp (NM_001413031.1); c.1831C>G, p.His611Asp (NM_001413033.1); and 4 more; short protein forms H232D, H276D, H611D, H655D, H254D, H288D, H623D, H645D.
Identifiers: ClinVar variation 3788050 (VCV003788050.1).